The following is an entry in ClinVar:

ClinVar aggregate classification (germline): Uncertain significance. Review status: criteria provided, multiple submitters, no conflicts (2 of 4 stars). 8 submissions from 8 submitters: Uncertain significance (8). Last evaluated 2026-09-30.

Conditions:
Inborn genetic diseases. Identifiers: MedGen C0950123, MeSH D030342.
Pyridoxine-dependent epilepsy (EPEO4). Also called: PYRIDOXINE DEPENDENCY WITH SEIZURES; EPILEPSY, EARLY-ONSET, 4, VITAMIN B6-DEPENDENT; Pyridoxine-Dependent Epilepsy - ALDH7A1; Pyridoxine-Dependent Seizures. Identifiers: Orphanet 3006, MedGen C1849508, MONDO:0009945, OMIM 266100. Disease mechanism: loss of function.

Allele frequency attached by ClinVar (database versions not stated): gnomAD 0.00022; TOPMed 0.00016; ExAC 0.00021.
gnomAD v4.1: 489 of 1,551,936 alleles (0.032%); highest among the groups gnomAD compares: Non-Finnish European, 0.041%; no homozygotes.

Submissions (8):

GeneDx
Classification: Uncertain significance. Last evaluated: 2026-09-30. Review status: criteria provided, single submitter. Criteria: GeneDx Variant Classification Process June 2021. Collection method: clinical testing. Allele origin: germline.
Comment: In silico analysis suggests that this missense variant does not alter protein structure/function; Has not been previously published as pathogenic or benign to our knowledge

Blueprint Genetics
Classification: Uncertain significance. Last evaluated: 2024-10-17. Review status: criteria provided, single submitter. Criteria: ACMG Guidelines, 2015. Collection method: clinical testing. Allele origin: germline.

Women's Health and Genetics/Laboratory Corporation of America, LabCorp
Classification: Uncertain significance. Last evaluated: 2024-03-26. Review status: criteria provided, single submitter. Criteria: LabCorp Variant Classification Summary - May 2015. Collection method: clinical testing. Allele origin: germline.
Comment: Variant summary: ALDH7A1 c.8G>A (p.Arg3His) results in a non-conservative amino acid change in the encoded protein sequence. Four of five in-silico tools predict a benign effect of the variant on protein function. The variant allele was found at a frequency of 0.0001 in 155706 control chromosomes (gnomAD). This frequency is not significantly higher than estimated for a pathogenic variant in ALDH7A1 causing Pyridoxine-Dependent Epilepsy (0.0001 vs 0.0018), allowing no conclusion about variant significance. To our knowledge, no occurrence of c.8G>A in individuals affected with Pyridoxine-Dependent Epilepsy and no experimental evidence demonstrating its impact on protein function have been reported. ClinVar contains an entry for this variant (Variation ID: 204866). Based on the evidence outlined above, the variant was classified as uncertain significance.

Mayo Clinic Laboratories, Mayo Clinic
Classification: Uncertain significance. Last evaluated: 2023-06-09. Review status: criteria provided, single submitter. Criteria: ACMG Guidelines, 2015. Collection method: clinical testing. Allele origin: germline. Observed: 1 variant allele.
Comment: PM2_moderate

Genome-Nilou Lab
Classification: Uncertain significance for Pyridoxine-dependent epilepsy. Last evaluated: 2023-04-11. Review status: criteria provided, single submitter. Criteria: ACMG Guidelines, 2015. Collection method: clinical testing. Allele origin: germline. Affected: no.

Labcorp Genetics (formerly Invitae), Labcorp
Classification: Uncertain significance for Pyridoxine-dependent epilepsy. Last evaluated: 2022-10-25. Review status: criteria provided, single submitter. Criteria: Invitae Variant Classification Sherloc (09022015). Collection method: clinical testing. Allele origin: germline.
Comment: This sequence change replaces arginine, which is basic and polar, with histidine, which is basic and polar, at codon 3 of the ALDH7A1 protein (p.Arg3His). This variant is present in population databases (rs759866910, gnomAD 0.02%). This variant has not been reported in the literature in individuals affected with ALDH7A1-related conditions. ClinVar contains an entry for this variant (Variation ID: 204866). Algorithms developed to predict the effect of missense changes on protein structure and function (SIFT, PolyPhen-2, Align-GVGD) all suggest that this variant is likely to be tolerated. In summary, the available evidence is currently insufficient to determine the role of this variant in disease. Therefore, it has been classified as a Variant of Uncertain Significance.

Ambry Genetics
Classification: Uncertain significance for Inborn genetic diseases. Last evaluated: 2022-05-02. Review status: criteria provided, single submitter. Criteria: Ambry Variant Classification Scheme 2023. Collection method: clinical testing. Allele origin: germline.
Comment: The c.8G>A (p.R3H) alteration is located in exon 1 (coding exon 1) of the ALDH7A1 gene. This alteration results from a G to A substitution at nucleotide position 8, causing the arginine (R) at amino acid position 3 to be replaced by a histidine (H). The p.R3H alteration is predicted to be tolerated by in silico analysis. Based on insufficient or conflicting evidence, the clinical significance of this alteration remains unclear.

Illumina Laboratory Services, Illumina
Classification: Uncertain significance for Pyridoxine-dependent epilepsy. Last evaluated: 2018-03-16. Review status: criteria provided, single submitter. Criteria: ICSL Variant Classification Criteria 13 December 2019. Collection method: clinical testing. Allele origin: germline.

NM_001182.5(ALDH7A1):c.8G>A (p.Arg3His)

Gene: ALDH7A1 (aldehyde dehydrogenase 7 family member A1; minus strand). Cytogenetic location: 5q23.2.
Variant type: single nucleotide variant.
Coding change: c.8G>A on transcript NM_001182.5 (MANE Select); coding-DNA position 8, G replaced by A.
Protein change: p.Arg3His; replaces arginine 3 with histidine.
Molecular consequence: missense variant. On other transcripts: 5 prime UTR variant (1).
Genome position (GRCh38, 1-based): chr5:126,595,191, C>T on the plus strand (G>A on the coding strand, the complement: ALDH7A1 is on the minus strand). VCF-style: chr5-126595191-C-T. GRCh37 (hg19) VCF-style: chr5-125930883-C-T.
Other names: p.R3H:CGC>CAC; p.Arg3His; c.-77G>A (NM_001201377.2); c.8G>A, p.Arg3His (NM_001202404.2); short protein forms R3H.
Identifiers: ClinVar variation 204866 (VCV000204866.20), dbSNP rs759866910, ClinGen allele CA313237.